The following is an entry in ClinVar:

NM_006922.4(SCN3A):c.3158C>T (p.Thr1053Ile)

Gene: SCN3A (sodium voltage-gated channel alpha subunit 3; minus strand). Cytogenetic location: 2q24.3.
Variant type: single nucleotide variant.
Coding change: c.3158C>T on transcript NM_006922.4 (MANE Select); coding-DNA position 3158, C replaced by T.
Protein change: p.Thr1053Ile; replaces threonine 1053 with isoleucine.
Molecular consequence: missense variant.
Genome position (GRCh38, 1-based): chr2:165,127,866, G>A on the plus strand (C>T on the coding strand, the complement: SCN3A is on the minus strand). VCF-style: chr2-165127866-G-A. GRCh37 (hg19) VCF-style: chr2-165984376-G-A.
Other names: c.3011C>T, p.Thr1004Ile (NM_001081676.2, NM_001081677.2); short protein forms T1004I, T1053I.
Identifiers: ClinVar variation 1718057 (VCV001718057.5), dbSNP rs2468235241, ClinGen allele CA349040978.

ClinVar aggregate classification (germline): Uncertain significance (1 of 4 stars; one submission).

Submission:

Labcorp Genetics (formerly Invitae), Labcorp
Classification: Uncertain significance. Last evaluated: 2022-07-17. Review status: criteria provided, single submitter. Criteria: Invitae Variant Classification Sherloc (09022015). Collection method: clinical testing. Allele origin: germline.
Comment: This variant has not been reported in the literature in individuals affected with SCN3A-related conditions. Algorithms developed to predict the effect of missense changes on protein structure and function (SIFT, PolyPhen-2, Align-GVGD) all suggest that this variant is likely to be tolerated. This sequence change replaces threonine, which is neutral and polar, with isoleucine, which is neutral and non-polar, at codon 1053 of the SCN3A protein (p.Thr1053Ile). This variant is not present in population databases (gnomAD no frequency). In summary, the available evidence is currently insufficient to determine the role of this variant in disease. Therefore, it has been classified as a Variant of Uncertain Significance.